The following is an entry in ClinVar:

ClinVar aggregate classification (germline): Uncertain significance (1 of 4 stars; one submission).

gnomAD v4.1: 2 of 1,614,210 alleles (0.00012%); highest among the groups gnomAD compares: Admixed American, 0.0033%; no homozygotes.

Submission:

Labcorp Genetics (formerly Invitae), Labcorp
Classification: Uncertain significance. Last evaluated: 2025-01-27. Review status: criteria provided, single submitter. Criteria: Invitae Variant Classification Sherloc (09022015). Collection method: clinical testing. Allele origin: germline.
Comment: This sequence change replaces proline, which is neutral and non-polar, with arginine, which is basic and polar, at codon 380 of the CLCN2 protein (p.Pro380Arg). This variant is present in population databases (no rsID available, gnomAD 0.006%). This variant has not been reported in the literature in individuals affected with CLCN2-related conditions. ClinVar contains an entry for this variant (Variation ID: 1363909). Invitae Evidence Modeling of protein sequence and biophysical properties (such as structural, functional, and spatial information, amino acid conservation, physicochemical variation, residue mobility, and thermodynamic stability) indicates that this missense variant is expected to disrupt CLCN2 protein function with a positive predictive value of 80%. In summary, the available evidence is currently insufficient to determine the role of this variant in disease. Therefore, it has been classified as a Variant of Uncertain Significance.

NM_004366.6(CLCN2):c.1139C>G (p.Pro380Arg)

Gene: CLCN2 (chloride voltage-gated channel 2; minus strand). Cytogenetic location: 3q27.1.
Variant type: single nucleotide variant.
Coding change: c.1139C>G on transcript NM_004366.6 (MANE Select); coding-DNA position 1139, C replaced by G.
Protein change: p.Pro380Arg; replaces proline 380 with arginine.
Molecular consequence: missense variant.
Genome position (GRCh38, 1-based): chr3:184,355,725, G>C on the plus strand (C>G on the coding strand, the complement: CLCN2 is on the minus strand). VCF-style: chr3-184355725-G-C. GRCh37 (hg19) VCF-style: chr3-184073513-G-C.
Other names: c.1139C>G, p.Pro380Arg (NM_001171087.3, NM_001171089.3); c.1007C>G, p.Pro336Arg (NM_001171088.3); short protein forms P336R, P380R.
Identifiers: ClinVar variation 1363909 (VCV001363909.6), dbSNP rs778766766, ClinGen allele CA355453524.